The following is an entry in ClinVar:

Conditions:
Long QT syndrome 5 (LQT5). Identifiers: Orphanet 101016, Orphanet 768, MedGen C1867904, MONDO:0013372, OMIM 613695.

gnomAD v4.1: 1 of 1,562,918 alleles (0.000064%); highest among the groups gnomAD compares: Non-Finnish European, 0.000088%; no homozygotes.

Submission:

Roden Lab, Vanderbilt University Medical Center
No classification provided (evidence only). Condition: Long QT syndrome 5. Review status: no classification provided. Collection method: in vitro. Allele origin: not applicable. Functional consequence: Effect on ion channel function.
ClinVar note: "not provided" was previously submitted as the classification for the variant. However, the classification appeared to be based only on an observation of functional data so it was converted to no classification on 2025-07-30.

NM_000219.6(KCNE1):c.303G>T (p.Glu101Asp)

Gene: KCNE1 (potassium voltage-gated channel subfamily E regulatory subunit 1; minus strand). Cytogenetic location: 21q22.12.
Variant type: single nucleotide variant.
Coding change: c.303G>T on transcript NM_000219.6 (MANE Select); coding-DNA position 303, G replaced by T.
Protein change: p.Glu101Asp; replaces glutamic acid 101 with aspartic acid.
Molecular consequence: missense variant.
Genome position (GRCh38, 1-based): chr21:34,449,332, C>A on the plus strand (G>T on the coding strand, the complement: KCNE1 is on the minus strand). VCF-style: chr21-34449332-C-A. GRCh37 (hg19) VCF-style: chr21-35821630-C-A.
Other names: c.303G>T, p.Glu101Asp (NM_001127668.4, NM_001127669.4, NM_001127670.4 and 4 more transcripts); short protein forms E101D.
Identifiers: ClinVar variation 3374581 (VCV003374581.2).
Genomic context (GRCh38, chr21:34,449,332, plus strand): 5'-GTGTGTGTTGGGTTGTTCTATGGCCAGATGGTTTTCAACGACATAGCACGACCTGTAGCT[C>A]TCCAGGACCCGGGCCTGGACATAGGCCTTGTCCTTCTCTTGCCAGGCATCGGACTCGATG-3'
Protein context (NP_000210.2, residues 91-111): DKAYVQARVL[Glu101Asp]SYRSCYVVEN